The following is an entry in ClinVar:

NM_001110556.2(FLNA):c.7096G>A (p.Ala2366Thr)

Gene: FLNA (filamin A; minus strand). Cytogenetic location: Xq28.
Variant type: single nucleotide variant.
Coding change: c.7096G>A on transcript NM_001110556.2 (MANE Select); coding-DNA position 7096, G replaced by A.
Protein change: p.Ala2366Thr; replaces alanine 2366 with threonine.
Molecular consequence: missense variant.
Genome position (GRCh38, 1-based): chrX:154,350,969, C>T on the plus strand (G>A on the coding strand, the complement: FLNA is on the minus strand). VCF-style: chrX-154350969-C-T. GRCh37 (hg19) VCF-style: chrX-153579337-C-T.
Other names: c.7072G>A, p.Ala2358Thr (NM_001456.4); short protein forms A2358T, A2366T.
Identifiers: ClinVar variation 2629272 (VCV002629272.1), dbSNP rs2522717036, ClinGen allele CA415185033.
Genomic context (GRCh38, chrX:154,350,969, plus strand): 5'-CTTGGTCAATTTCTGTGACATAGCACTCCTCCAGGGCTCCTGAGGGGCTGTGCACCTTGG[C>T]ATCGATCGCCCCCTTGGCCCCGTTCAGGCTGACTGCAAAAGAGGCTGGCTGGTTGACCTT-3'
Protein context (NP_001104026.1, residues 2356-2376): SLNGAKGAID[Ala2366Thr]KVHSPSGALE

ClinVar aggregate classification (germline): Uncertain significance (1 of 4 stars; one submission).

Conditions:
FLNA-related disorder.

Submission:

PreventionGenetics, part of Exact Sciences
Classification: Uncertain significance for FLNA-related condition. Last evaluated: 2023-03-15. Review status: criteria provided, single submitter. Criteria: ACMG Guidelines, 2015. Collection method: clinical testing. Allele origin: germline.
Comment: The FLNA c.7096G>A variant is predicted to result in the amino acid substitution p.Ala2366Thr. To our knowledge, this variant has not been reported in the literature or in a large population database, indicating this variant is rare. At this time, the clinical significance of this variant is uncertain due to the absence of conclusive functional and genetic evidence.